The following is an entry in ClinVar:

ClinVar aggregate classification (germline): Likely pathogenic. Review status: criteria provided, multiple submitters, no conflicts (2 of 4 stars). 2 submissions from 2 submitters: Likely pathogenic (2). Last evaluated 2024-08-31.

Conditions:
Familial adenomatous polyposis 2. Also called: COLORECTAL ADENOMATOUS POLYPOSIS, AUTOSOMAL RECESSIVE; ADENOMAS, MULTIPLE COLORECTAL, AUTOSOMAL RECESSIVE; MYH-associated polyposis; MUTYH-associated polyposis; MUTYH-related attenuated familial adenomatous polyposis; MUTYH Polyposis. Identifiers: Orphanet 220460, Orphanet 247798, MedGen C3272841, MONDO:0012041, OMIM 608456.

gnomAD v4.1: 1 of 1,614,228 alleles (0.000062%); highest among the groups gnomAD compares: Non-Finnish European, 0.000085%; no homozygotes.

Submissions (2):

Labcorp Genetics (formerly Invitae), Labcorp
Classification: Likely pathogenic for Familial adenomatous polyposis 2. Last evaluated: 2024-08-31. Review status: criteria provided, single submitter. Criteria: Invitae Variant Classification Sherloc (09022015). Collection method: clinical testing. Allele origin: germline.
Comment: This sequence change affects an acceptor splice site in intron 10 of the MUTYH gene. It is expected to disrupt RNA splicing. Variants that disrupt the donor or acceptor splice site typically lead to a loss of protein function (PMID: 16199547), and loss-of-function variants in MUTYH are known to be pathogenic (PMID: 18534194, 20663686). This variant is not present in population databases (gnomAD no frequency). This variant has not been reported in the literature in individuals affected with MUTYH-related conditions. Algorithms developed to predict the effect of sequence changes on RNA splicing suggest that this variant may disrupt the consensus splice site. In summary, the currently available evidence indicates that the variant is pathogenic, but additional data are needed to prove that conclusively. Therefore, this variant has been classified as Likely Pathogenic.

All of Us Research Program, National Institutes of Health
Classification: Likely pathogenic for Familial adenomatous polyposis 2. Last evaluated: 2023-06-28. Review status: criteria provided, single submitter. Criteria: ACMG Guidelines, 2015. Collection method: clinical testing. Allele origin: germline. Inheritance: Autosomal recessive inheritance. Observed: 1 variant allele, 1 heterozygote.
Comment: This study involves interpretation of variants in research participants for the purpose of population health screening. Participant phenotype was not available at the time of variant classification. Additional details can be found in publication PMID: 35346344, PMCID: PMC8962531

Literature cited by the submitters: PubMed 16199547 (cited by Labcorp Genetics (formerly Invitae), Labcorp); PubMed 18534194 (cited by Labcorp Genetics (formerly Invitae), Labcorp); PubMed 20663686 (cited by Labcorp Genetics (formerly Invitae), Labcorp).

NM_001048174.2(MUTYH):c.850-1G>A

Gene: MUTYH (mutY DNA glycosylase; minus strand). Cytogenetic location: 1p34.1.
Variant type: single nucleotide variant.
Coding change: c.850-1G>A on transcript NM_001048174.2 (MANE Select); the canonical splice acceptor site of the intron before coding-DNA position 850, G replaced by A.
Molecular consequence: splice acceptor variant.
Genome position (GRCh38, 1-based): chr1:45,332,087, C>T on the plus strand (G>A on the coding strand, the complement: MUTYH is on the minus strand). VCF-style: chr1-45332087-C-T. GRCh37 (hg19) VCF-style: chr1-45797759-C-T.
Other names: c.850-1G>A (NM_001407072.1, NM_001407073.1, NM_001048171.2 and 6 more transcripts); c.505-1G>A (NM_001350651.2, NM_001350650.2, NM_001407082.1); c.574-1G>A (NM_001293192.2, NM_001293196.2, NM_001407091.1); c.895-1G>A (NM_001293190.2); c.883-1G>A (NM_001407069.1, NM_001407077.1, NM_001293191.2); c.925-1G>A (NM_012222.3); c.934-1G>A (NM_001128425.2); c.853-1G>A (NM_001407071.1, NM_001048172.2, NM_001407078.1 and 1 more transcripts); and 5 more.
Identifiers: ClinVar variation 3072114 (VCV003072114.3), dbSNP rs2149135116, ClinGen allele CA340134255.